The following is an entry in ClinVar:

ClinVar aggregate classification (germline): Likely benign (0 of 4 stars; one submission).

Conditions:
SH2B3-related disorder. Also called: SH2B3-related condition.

Allele frequency attached by ClinVar (database versions not stated): gnomAD 0.00009; gnomAD exomes 0.00009; ExAC 0.00010.

Submission:

PreventionGenetics, part of Exact Sciences
Classification: Likely benign for SH2B3-related condition. Last evaluated: 2024-02-09. Review status: no assertion criteria provided. Collection method: clinical testing. Allele origin: germline.
Comment: This variant is classified as likely benign based on ACMG/AMP sequence variant interpretation guidelines (Richards et al. 2015 PMID: 25741868, with internal and published modifications).

NM_005475.3(SH2B3):c.1236+3_1236+7del

Gene: SH2B3 (SH2B adaptor protein 3; plus strand). Cytogenetic location: 12q24.12.
Variant type: Deletion.
Coding change: c.1236+3_1236+7del on transcript NM_005475.3 (MANE Select); bases 3 to 7 of the intron after coding-DNA position 1236, 5 bases deleted (ATGGG; older notation c.1236+3_1236+7delATGGG).
Molecular consequence: intron variant.
Genome position (GRCh38, 1-based): chr12:111,447,547-111,447,551, ATGGG deleted. VCF-style (leftmost placement, unchanged base first): chr12-111447546-TATGGG-T. GRCh37 (hg19) VCF-style: chr12-111885350-TATGGG-T.
Other names: c.630+3_630+7del (NM_001291424.1).
Identifiers: ClinVar variation 3054073 (VCV003054073.2), dbSNP rs779556283, ClinGen allele CA6789892.